The following is an entry in ClinVar:

NM_206933.4(USH2A):c.11443A>G (p.Ser3815Gly)

Gene: USH2A (usherin; minus strand). Cytogenetic location: 1q41.
Variant type: single nucleotide variant.
Coding change: c.11443A>G on transcript NM_206933.4 (MANE Select); coding-DNA position 11443, A replaced by G.
Protein change: p.Ser3815Gly; replaces serine 3815 with glycine.
Molecular consequence: missense variant.
Genome position (GRCh38, 1-based): chr1:215,743,282, T>C on the plus strand (A>G on the coding strand, the complement: USH2A is on the minus strand). VCF-style: chr1-215743282-T-C. GRCh37 (hg19) VCF-style: chr1-215916624-T-C.
Other names: short protein forms S3815G.
Identifiers: ClinVar variation 667180 (VCV000667180.12), dbSNP rs149527139, ClinGen allele CA1393706.
Genomic context (GRCh38, chr1:215,743,282, plus strand): 5'-TCAAATTTTCCAGAAGGGTGGATTGATGATGACCAACGGAGAAGGCCAGAGGTGTTACAC[T>C]TCCATCATTGAGTAAGACATTGTACTCCACAGGAATTTCGGGGATGAGGATCCCTTTAAA-3'
Protein context (NP_996816.3, residues 3805-3825): VEYNVLLNDG[Ser3815Gly]VTPLAFSVGH

ClinVar aggregate classification (germline): Conflicting classifications of pathogenicity. Review status: criteria provided, conflicting classifications (1 of 4 stars). 3 submissions from 3 submitters: Uncertain significance (1); Likely benign (1). 1 of the submissions does not count toward it. Last evaluated 2022-02-05.

Conditions:
Usher syndrome type 2A. Also called: USHER SYNDROME, TYPE IIA; RETINAL DISEASE IN USHER SYNDROME TYPE IIA, MODIFIER OF. Identifiers: Orphanet 231178, Orphanet 886, MedGen C1848634, MONDO:0010169, OMIM 276901.

Allele frequency attached by ClinVar (database versions not stated): ExAC 0.00002; gnomAD exomes 0.00002; gnomAD 0.00004 and 0.00005; TOPMed 0.00005; ESP Exome Variant Server 0.00023.
gnomAD v4.1: 20 of 1,610,504 alleles (0.0012%); highest among the groups gnomAD compares: African/African-American, 0.024%; no homozygotes.

Submissions (3):

Labcorp Genetics (formerly Invitae), Labcorp
Classification: Uncertain significance. Last evaluated: 2022-02-05. Review status: criteria provided, single submitter. Criteria: Invitae Variant Classification Sherloc (09022015). Collection method: clinical testing. Allele origin: germline.
Comment: This sequence change replaces serine, which is neutral and polar, with glycine, which is neutral and non-polar, at codon 3815 of the USH2A protein (p.Ser3815Gly). This variant is present in population databases (rs149527139, gnomAD 0.02%). This variant has not been reported in the literature in individuals affected with USH2A-related conditions. ClinVar contains an entry for this variant (Variation ID: 667180). Algorithms developed to predict the effect of missense changes on protein structure and function output the following: SIFT: "Deleterious"; PolyPhen-2: "Benign"; Align-GVGD: "Class C0". The glycine amino acid residue is found in multiple mammalian species, which suggests that this missense change does not adversely affect protein function. In summary, the available evidence is currently insufficient to determine the role of this variant in disease. Therefore, it has been classified as a Variant of Uncertain Significance.

Laboratory for Molecular Medicine, Mass General Brigham Personalized Medicine
Classification: Likely benign. Last evaluated: 2018-07-20. Review status: criteria provided, single submitter. Criteria: LMM Criteria. Collection method: clinical testing. Allele origin: germline. Observed: 1 variant allele.
Comment: The p.Ser3815Gly variant in USH2A is classified as likely benign due to a lack o f conservation across species, including mammals. Of note, 3 have a Serine (Ser) at this position despite high nearby amino acid conservation. This variant has been identified in 3/15302 African chromosomes by the Genome Aggregation Databas e (gnomAD). ACMG/AMP Criteria applied: BP4_Str ong.

Natera, Inc.
Classification: Uncertain significance for Usher syndrome type 2A. Last evaluated: 2020-01-17. Review status: no assertion criteria provided. Collection method: clinical testing. Allele origin: germline. Not counted in ClinVar's aggregate classification.